The following is an entry in ClinVar:

NM_020822.3(KCNT1):c.1396G>A (p.Ala466Thr)

Gene: KCNT1 (potassium sodium-activated channel subfamily T member 1; plus strand). Cytogenetic location: 9q34.3.
Variant type: single nucleotide variant.
Coding change: c.1396G>A on transcript NM_020822.3 (MANE Select); coding-DNA position 1396, G replaced by A.
Protein change: p.Ala466Thr; replaces alanine 466 with threonine.
Molecular consequence: missense variant.
Genome position (GRCh38, 1-based): chr9:135,768,668, G>A. VCF-style: chr9-135768668-G-A. GRCh37 (hg19) VCF-style: chr9-138660514-G-A.
Other names: c.1261G>A, p.Ala421Thr (NM_001272003.2); short protein forms A421T, A466T.
Identifiers: ClinVar variation 960403 (VCV000960403.10), dbSNP rs1832501333, ClinGen allele CA375504886.

ClinVar aggregate classification (germline): Uncertain significance (1 of 4 stars; one submission).

Conditions:
Autosomal dominant nocturnal frontal lobe epilepsy 5. Also called: Epilepsy, nocturnal frontal lobe, 5; CILIARY DYSKINESIA, PRIMARY, 28, WITH SITUS INVERSUS; KCNT1-Related Epilepsy; CILIARY DYSKINESIA, PRIMARY, 28, WITHOUT SITUS INVERSUS. Identifiers: Orphanet 98784, MedGen C3554306, MONDO:0014002, OMIM 615005.
Developmental and epileptic encephalopathy, 14 (DEE14). Also called: Early infantile epileptic encephalopathy 14. Identifiers: Orphanet 293181, MedGen C3554195, MONDO:0013989, OMIM 614959.

Allele frequency attached by ClinVar (database versions not stated): gnomAD exomes 0.00001.
gnomAD v4.1: 7 of 1,550,374 alleles (0.00045%); highest among the groups gnomAD compares: Non-Finnish European, 0.00061%; no homozygotes.

Submission:

Labcorp Genetics (formerly Invitae), Labcorp
Classification: Uncertain significance for Autosomal dominant nocturnal frontal lobe epilepsy 5; Developmental and epileptic encephalopathy, 14. Last evaluated: 2019-10-01. Review status: criteria provided, single submitter. Criteria: Invitae Variant Classification Sherloc (09022015). Collection method: clinical testing. Allele origin: germline.
Comment: This variant has not been reported in the literature in individuals with KCNT1-related conditions. Algorithms developed to predict the effect of missense changes on protein structure and function are either unavailable or do not agree on the potential impact of this missense change (SIFT: "Deleterious"; PolyPhen-2: "Benign"; Align-GVGD: "Class C0"). In summary, the available evidence is currently insufficient to determine the role of this variant in disease. Therefore, it has been classified as a Variant of Uncertain Significance. This variant is not present in population databases (ExAC no frequency). This sequence change replaces alanine with threonine at codon 466 of the KCNT1 protein (p.Ala466Thr). The alanine residue is highly conserved and there is a small physicochemical difference between alanine and threonine.